The following is an entry in ClinVar:

NM_080425.4(GNAS):c.1945C>A (p.Arg649Ser)

Gene: GNAS (GNAS complex locus; plus strand). Cytogenetic location: 20q13.32.
Variant type: single nucleotide variant.
Coding change: c.1945C>A on transcript NM_080425.4 (MANE Plus Clinical); coding-DNA position 1945, C replaced by A.
Protein change: p.Arg649Ser; replaces arginine 649 with serine.
Molecular consequence: missense variant. On other transcripts: nonsense (2), intron variant (3).
Genome position (GRCh38, 1-based): chr20:58,855,210, C>A. VCF-style: chr20-58855210-C-A. GRCh37 (hg19) VCF-style: chr20-57430265-C-A.
Other names: c.1758C>A, p.Cys586Ter (NM_001077490.3, NM_001309883.1); c.1945C>A, p.Arg649Ser (NM_001410913.1); c.*42+14324C>A (NM_016592.5); c.43+14324C>A (NM_001410912.1); c.-39+13335C>A (NM_001309861.2); short protein forms C586*, R649S.
Identifiers: ClinVar variation 4071636 (VCV004071636.1).

ClinVar aggregate classification (germline): Uncertain significance (1 of 4 stars; one submission).

gnomAD v4.1: 2 of 1,599,910 alleles (0.00013%); highest among the groups gnomAD compares: Non-Finnish European, 0.00017%; no homozygotes.

Submission:

GeneDx
Classification: Uncertain significance. Last evaluated: 2025-01-24. Review status: criteria provided, single submitter. Criteria: GeneDx Variant Classification Process June 2021. Collection method: clinical testing. Allele origin: germline. Affected: yes.
Comment: Not observed at significant frequency in large population cohorts (gnomAD); Nonsense variant predicted to result in protein truncation as the last 42 amino acid(s) are lost; Has not been previously published as pathogenic or benign to our knowledge; Reported using an alternate transcript of the gene